The following is an entry in ClinVar:

ClinVar aggregate classification (germline): Uncertain significance. Review status: criteria provided, multiple submitters, no conflicts (2 of 4 stars). 2 submissions from 2 submitters: Uncertain significance (2). Last evaluated 2025-02-18.

Allele frequency attached by ClinVar (database versions not stated): TOPMed 0.00002; ExAC 0.00003; gnomAD 0.00005.
gnomAD v4.1: 25 of 1,612,144 alleles (0.0016%); highest among the groups gnomAD compares: African/African-American, 0.008%; no homozygotes.

Submissions (2):

Greenwood Genetic Center Diagnostic Laboratories, Greenwood Genetic Center
Classification: Uncertain significance. Last evaluated: 2025-02-18. Review status: criteria provided, single submitter. Criteria: ACMG Guidelines, 2015. Collection method: clinical testing. Allele origin: germline.
Comment: PM2, BP4

Labcorp Genetics (formerly Invitae), Labcorp
Classification: Uncertain significance. Last evaluated: 2025-01-27. Review status: criteria provided, single submitter. Criteria: Invitae Variant Classification Sherloc (09022015). Collection method: clinical testing. Allele origin: germline.
Comment: This sequence change replaces arginine, which is basic and polar, with cysteine, which is neutral and slightly polar, at codon 525 of the ZNF408 protein (p.Arg525Cys). This variant is present in population databases (rs775749234, gnomAD 0.009%). This variant has not been reported in the literature in individuals affected with ZNF408-related conditions. ClinVar contains an entry for this variant (Variation ID: 2022467). An algorithm developed to predict the effect of missense changes on protein structure and function outputs the following: PolyPhen-2: "Benign". The cysteine amino acid residue is found in multiple mammalian species, which suggests that this missense change does not adversely affect protein function. In summary, the available evidence is currently insufficient to determine the role of this variant in disease. Therefore, it has been classified as a Variant of Uncertain Significance.

NM_024741.3(ZNF408):c.1573C>T (p.Arg525Cys)

Gene: ZNF408 (zinc finger protein 408; plus strand). Cytogenetic location: 11p11.2.
Variant type: single nucleotide variant.
Coding change: c.1573C>T on transcript NM_024741.3 (MANE Select); coding-DNA position 1573, C replaced by T.
Protein change: p.Arg525Cys; replaces arginine 525 with cysteine.
Molecular consequence: missense variant.
Genome position (GRCh38, 1-based): chr11:46,705,273, C>T. VCF-style: chr11-46705273-C-T. GRCh37 (hg19) VCF-style: chr11-46726823-C-T.
Other names: c.1549C>T, p.Arg517Cys (NM_001184751.2); short protein forms R517C, R525C.
Identifiers: ClinVar variation 2022467 (VCV002022467.5), dbSNP rs775749234, ClinGen allele CA5966602.